The following is an entry in ClinVar:

ClinVar aggregate classification (germline): Pathogenic/Likely pathogenic. Review status: criteria provided, multiple submitters, no conflicts (2 of 4 stars). 4 submissions from 4 submitters: Pathogenic (2); Likely pathogenic (2). Last evaluated 2024-09-09.

Conditions:
NR2F1-related disorder. Also called: NR2F1-related condition.
Bosch-Boonstra-Schaaf optic atrophy syndrome (BBSOAS). Also called: NR2F1-Related Neurodevelopmental Disorder. Identifiers: Orphanet 401777, MedGen C3810363, MONDO:0014320, OMIM 615722.

Submissions (4):

3billion
Classification: Pathogenic for Bosch-Boonstra-Schaaf optic atrophy syndrome. Last evaluated: 2024-09-09. Review status: criteria provided, single submitter. Criteria: ACMG Guidelines, 2015. Collection method: clinical testing. Allele origin: germline. Affected: yes.
Comment: The variant is not observed in the gnomAD v4.0.0 dataset. Predicted Consequence/Location: The variant is located in a mutational hot spot and/or well-established functional domain in which established pathogenic variants have been reported. In silico tool predictions suggest damaging effect of the variant on gene or gene product [REVEL: 0.98 (>=0.6, sensitivity 0.68 and specificity 0.92); 3Cnet: 0.99 (>=0.6, sensitivity 0.72 and precision 0.9)]. The same nucleotide change resulting in the same amino acid change has been previously reported as pathogenic/likely pathogenic with strong evidence (ClinVar ID: VCV000280552). Different missense changes at the same codon (p.Arg142Gly, p.Arg142His, p.Arg142Leu) have been reported as pathogenic/likely pathogenic with strong evidence (ClinVar ID: VCV000520623, VCV000520777, VCV002446036 /PMID: 26986877, 32484994). Therefore, this variant is classified as Pathogenic according to the recommendation of ACMG/AMP guideline.

Blueprint Genetics
Classification: Likely pathogenic for NR2F1-related disorders. Last evaluated: 2023-07-28. Review status: criteria provided, single submitter. Criteria: ACMG Guidelines, 2015. Collection method: clinical testing. Allele origin: germline. Affected: yes. Observed: 1 variant allele.

Clinical Genetics Laboratory, Skane University Hospital Lund
Classification: Likely pathogenic. Last evaluated: 2022-05-27. Review status: criteria provided, single submitter. Criteria: ACMG Guidelines, 2015. Collection method: clinical testing. Allele origin: germline. Affected: yes.

GeneDx
Classification: Pathogenic. Last evaluated: 2016-05-02. Review status: criteria provided, single submitter. Criteria: GeneDx Variant Classification (06012015). Collection method: clinical testing. Allele origin: germline. Affected: yes.
Comment: The R142C pathogenic variant in the NR2F1 gene has not been reported previously as a pathogenic variant nor as a benign variant, to our knowledge. The R142C variant was not observed in approximately 6500 individuals of European and African American ancestry in the NHLBI Exome Sequencing Project, indicating it is not a common benign variant in these populations. The R142C variant is a non-conservative amino acid substitution, which is likely to impact secondary protein structure as these residues differ in polarity, charge, size and/or other properties. This substitution occurs at a position that is conserved across species and in silico analysis predicts this variant is probably damaging to the protein structure/function. The R142C variant is located within the zinc-finger DNA binding domain; functional studies indicate that missense variants in this domain decrease NR2F1 transcriptional activity (Bosch et al., 2014). Therefore, we interpret R142C as a pathogenic variant.

Literature cited by the submitters: PubMed 26986877 (cited by 3billion).

NM_005654.6(NR2F1):c.424C>T (p.Arg142Cys)

Genes: NR2F1-AS1 (NR2F1 regulatory antisense RNA 1; minus strand), NR2F1 (nuclear receptor subfamily 2 group F member 1; plus strand). Cytogenetic location: 5q15.
Variant type: single nucleotide variant.
Coding change: c.424C>T on transcript NM_005654.6 (MANE Select); coding-DNA position 424, C replaced by T.
Protein change: p.Arg142Cys; replaces arginine 142 with cysteine.
Molecular consequence: missense variant.
Genome position (GRCh38, 1-based): chr5:93,585,447, C>T. VCF-style: chr5-93585447-C-T. GRCh37 (hg19) VCF-style: chr5-92921153-C-T.
Other names: c.424C>T (NM_005654.5); short protein forms R142C.
Identifiers: ClinVar variation 280552 (VCV000280552.5), dbSNP rs886041738, ClinGen allele CA10602977.
Genomic context (GRCh38, chr5:93,585,447, plus strand): 5'-TGCCGTGCCAACAGGAACTGTCCCATCGACCAGCACCACCGCAACCAGTGCCAATACTGC[C>T]GCCTCAAGAAGTGCCTCAAAGTGGGCATGAGGCGGGAAGGTGAATATTTCTTCTCTGCTT-3'
Protein context (NP_005645.1, residues 132-152): QHHRNQCQYC[Arg142Cys]LKKCLKVGMR